The following is an entry in ClinVar:

NM_001271.4(CHD2):c.655A>C (p.Lys219Gln)

Gene: CHD2 (chromodomain helicase DNA binding protein 2; plus strand). Cytogenetic location: 15q26.1.
Variant type: single nucleotide variant.
Coding change: c.655A>C on transcript NM_001271.4 (MANE Select); coding-DNA position 655, A replaced by C.
Protein change: p.Lys219Gln; replaces lysine 219 with glutamine.
Molecular consequence: missense variant.
Genome position (GRCh38, 1-based): chr15:92,939,681, A>C. VCF-style: chr15-92939681-A-C. GRCh37 (hg19) VCF-style: chr15-93482911-A-C.
Other names: c.655A>C, p.Lys219Gln (NM_001042572.3); short protein forms K219Q.
Identifiers: ClinVar variation 3623722 (VCV003623722.2).

ClinVar aggregate classification (germline): Uncertain significance (1 of 4 stars; one submission).

Conditions:
Developmental and epileptic encephalopathy 94 (DEE94). Also called: CHD2-Related Neurodevelopmental Disorders; Epileptic encephalopathy, childhood-onset. Identifiers: Orphanet 1942, Orphanet 2382, MedGen C3809278, MONDO:0014150, OMIM 615369.

gnomAD v4.1: 3 of 1,614,124 alleles (0.00019%); highest among the groups gnomAD compares: Admixed American, 0.005%; no homozygotes.

Submission:

Labcorp Genetics (formerly Invitae), Labcorp
Classification: Uncertain significance for Developmental and epileptic encephalopathy 94. Last evaluated: 2024-06-21. Review status: criteria provided, single submitter. Criteria: Invitae Variant Classification Sherloc (09022015). Collection method: clinical testing. Allele origin: germline.
Comment: This sequence change replaces lysine, which is basic and polar, with glutamine, which is neutral and polar, at codon 219 of the CHD2 protein (p.Lys219Gln). This variant is present in population databases (rs771068475, gnomAD 0.009%). This variant has not been reported in the literature in individuals affected with CHD2-related conditions. Advanced modeling of protein sequence and biophysical properties (such as structural, functional, and spatial information, amino acid conservation, physicochemical variation, residue mobility, and thermodynamic stability) performed at Invitae indicates that this missense variant is not expected to disrupt CHD2 protein function with a negative predictive value of 95%. In summary, the available evidence is currently insufficient to determine the role of this variant in disease. Therefore, it has been classified as a Variant of Uncertain Significance.